The following is an entry in ClinVar:

ClinVar aggregate classification (germline): Likely benign. Review status: criteria provided, multiple submitters, no conflicts (2 of 4 stars). 2 submissions from 2 submitters: Likely benign (2). Last evaluated 2025-08-06.

Conditions:
Hereditary spastic paraplegia 75. Also called: Spastic paraplegia 75, autosomal recessive. Identifiers: Orphanet 459056, MedGen C4225250, MONDO:0014729, OMIM 616680.

Allele frequency attached by ClinVar (database versions not stated): TOPMed 0.00016; ExAC 0.00031; ESP Exome Variant Server 0.00038.

Submissions (2):

Labcorp Genetics (formerly Invitae), Labcorp
Classification: Likely benign for Hereditary spastic paraplegia 75. Last evaluated: 2025-08-06. Review status: criteria provided, single submitter. Criteria: Invitae Variant Classification Sherloc (09022015). Collection method: clinical testing. Allele origin: germline.

Mayo Clinic Laboratories, Mayo Clinic
Classification: Likely benign. Last evaluated: 2025-06-23. Review status: criteria provided, single submitter. Criteria: ACMG Guidelines, 2015. Collection method: clinical testing. Allele origin: germline. Observed: 1 variant allele.
Comment: BS1, BP4

NM_002361.4(MAG):c.230G>A (p.Arg77His)

Gene: MAG (myelin associated glycoprotein; plus strand). Cytogenetic location: 19q13.12.
Variant type: single nucleotide variant.
Coding change: c.230G>A on transcript NM_002361.4 (MANE Select); coding-DNA position 230, G replaced by A.
Protein change: p.Arg77His; replaces arginine 77 with histidine.
Molecular consequence: missense variant.
Genome position (GRCh38, 1-based): chr19:35,295,796, G>A. VCF-style: chr19-35295796-G-A. GRCh37 (hg19) VCF-style: chr19-35786699-G-A.
Other names: p.Arg77His; c.155G>A, p.Arg52His (NM_001199216.2); c.230G>A, p.Arg77His (NM_080600.3); short protein forms R77H, R52H.
Identifiers: ClinVar variation 704757 (VCV000704757.13), dbSNP rs140544202, ClinGen allele CA9375958.